The following is an entry in ClinVar:

ClinVar aggregate classification (germline): Likely benign (0 of 4 stars; one submission).

Conditions:
HNF1B-related disorder. Also called: HNF1B-related disorders; HNF1B-related condition.

Allele frequency attached by ClinVar (database versions not stated): TOPMed 0.00004.
gnomAD v4.1: 3 of 1,613,188 alleles (0.00019%); highest among the groups gnomAD compares: African/African-American, 0.004%; no homozygotes.

Submission:

PreventionGenetics, part of Exact Sciences
Classification: Likely benign for HNF1B-related condition. Last evaluated: 2021-06-18. Review status: no assertion criteria provided. Collection method: clinical testing. Allele origin: germline.
Comment: This variant is classified as likely benign based on ACMG/AMP sequence variant interpretation guidelines (Richards et al. 2015 PMID: 25741868, with internal and published modifications).

NM_000458.4(HNF1B):c.1635C>T (p.Asn545=)

Gene: HNF1B (HNF1 homeobox B; minus strand). Cytogenetic location: 17q12.
Variant type: single nucleotide variant.
Coding change: c.1635C>T on transcript NM_000458.4 (MANE Select); coding-DNA position 1635, C replaced by T.
Protein change: p.Asn545=; no amino-acid change (asparagine 545 retained).
Molecular consequence: synonymous variant. On other transcripts: intron variant (2).
Genome position (GRCh38, 1-based): chr17:37,699,094, G>A on the plus strand (C>T on the coding strand, the complement: HNF1B is on the minus strand). VCF-style: chr17-37699094-G-A. GRCh37 (hg19) VCF-style: chr17-36059100-G-A.
Other names: c.1557C>T, p.Asn519= (NM_001165923.4); c.1261+5823C>T (NM_001304286.2); c.1534+1889C>T (NM_001411100.1).
Identifiers: ClinVar variation 3061557 (VCV003061557.2), dbSNP rs917853092, ClinGen allele CA290293381.